The following is an entry in ClinVar:

ClinVar aggregate classification (germline): Uncertain significance. Review status: criteria provided, multiple submitters, no conflicts (2 of 4 stars). 3 submissions from 3 submitters: Uncertain significance (3). Last evaluated 2024-04-30.

Conditions:
Exudative vitreoretinopathy 4 (EVR4). Identifiers: Orphanet 891, MedGen C1866176, MONDO:0011151, OMIM 601813.
Worth disease. Also called: Autosomal dominant osteosclerosis, Worth type; ENDOSTEAL HYPEROSTOSIS, AUTOSOMAL DOMINANT; OSTEOSCLEROSIS, AUTOSOMAL DOMINANT. Identifiers: Orphanet 2790, MedGen C0432273, MONDO:0007764, OMIM 144750.
Polycystic liver disease 4 with or without kidney cysts. Identifiers: MedGen C4693479, MONDO:0044327, OMIM 617875.
Osteoporosis with pseudoglioma (OPPG). Also called: osteoporosis-pseudoglioma syndrome. Identifiers: Orphanet 2788, MedGen C0432252, MONDO:0009820, OMIM 259770.
Autosomal dominant osteopetrosis 1 (OPTA1). Also called: OSTEOPETROSIS, AUTOSOMAL DOMINANT, TYPE I. Identifiers: Orphanet 2783, MedGen C1843330, MONDO:0011877, OMIM 607634.
Bone mineral density quantitative trait locus 1 (BMND1). Identifiers: MedGen C1866079, OMIM 601884.

Allele frequency attached by ClinVar (database versions not stated): gnomAD exomes below 0.00001; gnomAD 0.00001; TOPMed 0.00001.
gnomAD v4.1: 4 of 1,612,454 alleles (0.00025%); highest among the groups gnomAD compares: African/African-American, 0.0027%; no homozygotes.

Submissions (3):

Fulgent Genetics
Classification: Uncertain significance for Worth disease; Osteoporosis with pseudoglioma; Exudative vitreoretinopathy 4; Bone mineral density quantitative trait locus 1; Autosomal dominant osteopetrosis 1; Polycystic liver disease 4 with or without kidney cysts. Last evaluated: 2024-04-30. Review status: criteria provided, single submitter. Criteria: ACMG Guidelines, 2015. Collection method: clinical testing. Allele origin: germline.

Labcorp Genetics (formerly Invitae), Labcorp
Classification: Uncertain significance. Last evaluated: 2024-01-15. Review status: criteria provided, single submitter. Criteria: Invitae Variant Classification Sherloc (09022015). Collection method: clinical testing. Allele origin: germline.
Comment: This sequence change replaces alanine, which is neutral and non-polar, with threonine, which is neutral and polar, at codon 1152 of the LRP5 protein (p.Ala1152Thr). The frequency data for this variant in the population databases is considered unreliable, as metrics indicate poor data quality at this position in the gnomAD database. This variant has not been reported in the literature in individuals affected with LRP5-related conditions. ClinVar contains an entry for this variant (Variation ID: 1042379). Advanced modeling of protein sequence and biophysical properties (such as structural, functional, and spatial information, amino acid conservation, physicochemical variation, residue mobility, and thermodynamic stability) performed at Invitae indicates that this missense variant is not expected to disrupt LRP5 protein function with a negative predictive value of 95%. In summary, the available evidence is currently insufficient to determine the role of this variant in disease. Therefore, it has been classified as a Variant of Uncertain Significance.

Blueprint Genetics
Classification: Uncertain significance. Last evaluated: 2023-02-17. Review status: criteria provided, single submitter. Criteria: ACMG Guidelines, 2015. Collection method: clinical testing. Allele origin: germline.

NM_002335.4(LRP5):c.3454G>A (p.Ala1152Thr)

Gene: LRP5 (LDL receptor related protein 5; plus strand). Cytogenetic location: 11q13.2.
Variant type: single nucleotide variant.
Coding change: c.3454G>A on transcript NM_002335.4 (MANE Select); coding-DNA position 3454, G replaced by A.
Protein change: p.Ala1152Thr; replaces alanine 1152 with threonine.
Molecular consequence: missense variant.
Genome position (GRCh38, 1-based): chr11:68,426,004, G>A. VCF-style: chr11-68426004-G-A. GRCh37 (hg19) VCF-style: chr11-68193472-G-A.
Other names: c.1711G>A, p.Ala571Thr (NM_001291902.2); short protein forms A1152T, A571T.
Identifiers: ClinVar variation 1042379 (VCV001042379.10), dbSNP rs892889194, ClinGen allele CA224278556.
Genomic context (GRCh38, chr11:68,426,004, plus strand): 5'-GCACTGCTCAGGGGGGCCCACGGGCTGCTTGCAGGGGCCAACCGCCTGACCCTGGAGGAC[G>A]CCAACATCGTGCAGCCTCTGGGCCTGACCATCCTTGGCAAGCATCTCTACTGGATCGACC-3'
Protein context (NP_002326.2, residues 1142-1162): SGANRLTLED[Ala1152Thr]NIVQPLGLTI